The following is an entry in ClinVar:

NM_000152.5(GAA):c.2051C>G (p.Pro684Arg)

Gene: GAA (alpha glucosidase; plus strand). Cytogenetic location: 17q25.3.
Variant type: single nucleotide variant.
Coding change: c.2051C>G on transcript NM_000152.5 (MANE Select); coding-DNA position 2051, C replaced by G.
Protein change: p.Pro684Arg; replaces proline 684 with arginine.
Molecular consequence: missense variant.
Genome position (GRCh38, 1-based): chr17:80,113,228, C>G. VCF-style: chr17-80113228-C-G. GRCh37 (hg19) VCF-style: chr17-78087027-C-G.
Other names: c.2051C>G, p.Pro684Arg (NM_001079803.3, NM_001079804.3, NM_001406741.1 and 1 more transcripts); short protein forms P684R.
Identifiers: ClinVar variation 4081687 (VCV004081687.2).

ClinVar aggregate classification (germline): Conflicting classifications of pathogenicity. Review status: criteria provided, conflicting classifications (1 of 4 stars). 2 submissions from 2 submitters: Likely pathogenic (1); Uncertain significance (1). Last evaluated 2026-07-01.

Conditions:
Glycogen storage disease, type II (IOPD). Also called: POMPE DISEASE, INFANTILE-ONSET; GLYCOGEN STORAGE DISEASE II, INFANTILE-ONSET; ACID ALPHA-GLUCOSIDASE DEFICIENCY, INFANTILE-ONSET; GAA DEFICIENCY, INFANTILE-ONSET; ACID MALTASE DEFICIENCY, INFANTILE-ONSET; Glucosidase acid-1,4-alpha deficiency. Identifiers: Orphanet 365, MedGen C0017921, MONDO:0009290, OMIM 232300.

Submissions (2):

Genomenon, Inc
Classification: Uncertain significance for Glycogen storage disease, type II. Last evaluated: 2026-07-01. Review status: criteria provided, single submitter. Criteria: Genomenon Sequence Variant Interpretation Standards - Updated. Collection method: curation. Allele origin: germline.
Comment: GAA p.Pro684Arg (c.2051C>G) is a missense variant that changes the amino acid at codon 684 from Proline to Arginine. This variant has been reported in the compound heterozygous and/or homozygous state in at least one individual without a confirmed diagnosis of Pompe disease (PMID:29181627;29149851). The presence of pathogenic/likely pathogenic missense variant(s) at the same amino acid position indicates that this residue is likely important for protein function. It is absent or not present at a significant frequency in gnomAD. In silico models predict that this variant is possibly or probably damaging. In conclusion, we classify GAA p.Pro684Arg (c.2051C>G) as a variant of uncertain significance.

Myriad Genetics, Inc.
Classification: Likely pathogenic for Glycogen storage disease, type II. Last evaluated: 2025-03-25. Review status: criteria provided, single submitter. Criteria: Myriad Autosomal Dominant, Autosomal Recessive and X-Linked Classification Criteria (2023). Collection method: clinical testing. Allele origin: unknown.
Comment: NM_000152.3(GAA):c.2051C>G(P684R) is a missense variant classified as likely pathogenic in the context of Pompe disease. P684R has been observed in a case with relevant disease (PMID: 29181627). Relevant functional assessments of this variant are not available in the literature. Internal structural analysis of the variant is supportive of pathogenicity. P684R has not been observed in referenced population frequency databases. In summary, NM_000152.3(GAA):c.2051C>G(P684R) is a missense variant that has internal structural support for pathogenicity and has been observed more frequently in cases with the relevant disease than in healthy populations. Please note: this variant was assessed in the context of healthy population screening.

Literature cited by the submitters: PubMed 29181627 (cited by Genomenon, Inc and Myriad Genetics, Inc.); PubMed 29149851 (cited by Genomenon, Inc).